The following is an entry in ClinVar:

NM_002618.4(PEX13):c.774T>A (p.Ser258Arg)

Gene: PEX13 (peroxisomal biogenesis factor 13; plus strand). Cytogenetic location: 2p15.
Variant type: single nucleotide variant.
Coding change: c.774T>A on transcript NM_002618.4 (MANE Select); coding-DNA position 774, T replaced by A.
Protein change: p.Ser258Arg; replaces serine 258 with arginine.
Molecular consequence: missense variant.
Genome position (GRCh38, 1-based): chr2:61,032,100, T>A. VCF-style: chr2-61032100-T-A. GRCh37 (hg19) VCF-style: chr2-61259235-T-A.
Other names: short protein forms S258R.
Identifiers: ClinVar variation 1981220 (VCV001981220.1), dbSNP rs541926679, ClinGen allele CA1673346.

ClinVar aggregate classification (germline): Uncertain significance (1 of 4 stars; one submission).

Conditions:
Peroxisome biogenesis disorder 11A (Zellweger). Also called: Peroxisome biogenesis disorder 11A. Identifiers: Orphanet 912, MedGen C3554000, MONDO:0013949, OMIM 614883.

Allele frequency attached by ClinVar (database versions not stated): gnomAD exomes below 0.00001; ExAC 0.00001; gnomAD 0.00001; TOPMed 0.00001; 1000 Genomes Project 30x 0.00016; 1000 Genomes Project 0.00020.
gnomAD v4.1: 5 of 1,610,872 alleles (0.00031%); highest among the groups gnomAD compares: African/African-American, 0.0013%; no homozygotes.

Submission:

Labcorp Genetics (formerly Invitae), Labcorp
Classification: Uncertain significance for Peroxisome biogenesis disorder 11A (Zellweger). Last evaluated: 2022-05-24. Review status: criteria provided, single submitter. Criteria: Invitae Variant Classification Sherloc (09022015). Collection method: clinical testing. Allele origin: germline.
Comment: This sequence change replaces serine, which is neutral and polar, with arginine, which is basic and polar, at codon 258 of the PEX13 protein (p.Ser258Arg). This variant is present in population databases (rs541926679, gnomAD 0.007%). This variant has not been reported in the literature in individuals affected with PEX13-related conditions. Algorithms developed to predict the effect of missense changes on protein structure and function (SIFT, PolyPhen-2, Align-GVGD) all suggest that this variant is likely to be tolerated. In summary, the available evidence is currently insufficient to determine the role of this variant in disease. Therefore, it has been classified as a Variant of Uncertain Significance.